The following is an entry in ClinVar:

NM_004984.4(KIF5A):c.2755+3G>C

Gene: KIF5A (kinesin family member 5A; plus strand). Cytogenetic location: 12q13.3.
Variant type: single nucleotide variant.
Coding change: c.2755+3G>C on transcript NM_004984.4 (MANE Select); 3 bases into the intron after coding-DNA position 2755, G replaced by C.
Molecular consequence: intron variant.
Genome position (GRCh38, 1-based): chr12:57,581,175, G>C. VCF-style: chr12-57581175-G-C. GRCh37 (hg19) VCF-style: chr12-57974958-G-C.
Other names: c.2488+3G>C (NM_001354705.2).
Identifiers: ClinVar variation 1353070 (VCV001353070.6), dbSNP rs1416076720, ClinGen allele CA2573148863.

ClinVar aggregate classification (germline): Uncertain significance (1 of 4 stars; one submission).

Conditions:
Spastic paraplegia. Identifiers: MedGen C0037772, HP:0001258.

Submission:

Labcorp Genetics (formerly Invitae), Labcorp
Classification: Uncertain significance for Spastic paraplegia. Last evaluated: 2024-05-21. Review status: criteria provided, single submitter. Criteria: Invitae Variant Classification Sherloc (09022015). Collection method: clinical testing. Allele origin: germline.
Comment: This sequence change falls in intron 24 of the KIF5A gene. It does not directly change the encoded amino acid sequence of the KIF5A protein. It affects a nucleotide within the consensus splice site. This variant is not present in population databases (gnomAD no frequency). This variant has not been reported in the literature in individuals affected with KIF5A-related conditions. ClinVar contains an entry for this variant (Variation ID: 1353070). Variants that disrupt the consensus splice site are a relatively common cause of aberrant splicing (PMID: 17576681, 9536098). Algorithms developed to predict the effect of sequence changes on RNA splicing suggest that this variant may disrupt the consensus splice site. In summary, the available evidence is currently insufficient to determine the role of this variant in disease. Therefore, it has been classified as a Variant of Uncertain Significance.

Literature cited by the submitters: PubMed 17576681; PubMed 9536098.